The following is an entry in ClinVar:

NM_032737.4(LMNB2):c.1824G>A (p.Gly608=)

Gene: LMNB2 (lamin B2; minus strand). Cytogenetic location: 19p13.3.
Variant type: single nucleotide variant.
Coding change: c.1824G>A on transcript NM_032737.4 (MANE Select); coding-DNA position 1824, G replaced by A.
Protein change: p.Gly608=; no amino-acid change (glycine 608 retained).
Molecular consequence: synonymous variant.
Genome position (GRCh38, 1-based): chr19:2,430,950, C>T on the plus strand (G>A on the coding strand, the complement: LMNB2 is on the minus strand). VCF-style: chr19-2430950-C-T. GRCh37 (hg19) VCF-style: chr19-2430948-C-T.
Identifiers: ClinVar variation 4084425 (VCV004084425.8).
Genomic context (GRCh38, chr19:2,430,950, plus strand): 5'-GTGTGGATGAGGAGTGTGGGTTCACATCACGTAGCAGCCTCTTGAGGTGGTCCTCGGGTC[C>T]CCCTGCAGGAAGGAAGGAAGGAAGGTCGGCCATGATCAGGGCCAGCCTGGAGGCAGCCGG-3'
Protein context (NP_116126.3, residues 598-618): FGEEDLFHQQ[Gly608=]DPRTTSRGCY

ClinVar aggregate classification (germline): Likely benign (1 of 4 stars; one submission).

gnomAD v4.1: 9 of 1,608,926 alleles (0.00056%); highest among the groups gnomAD compares: East Asian, 0.0022%; no homozygotes.

Submission:

CeGaT Center for Human Genetics Tuebingen
Classification: Likely benign. Last evaluated: 2025-08-01. Review status: criteria provided, single submitter. Criteria: CeGaT Center For Human Genetics Tuebingen Variant Classification Criteria Version 2. Collection method: clinical testing. Allele origin: germline. Affected: yes. Observed: 1 variant allele.
Comment: LMNB2: BP4, BP7